The following is an entry in ClinVar:

ClinVar aggregate classification (germline): Uncertain significance (1 of 4 stars; one submission).

gnomAD v4.1: 24 of 1,614,114 alleles (0.0015%); highest among the groups gnomAD compares: Middle Eastern, 0.033%; no homozygotes.

Submission:

Labcorp Genetics (formerly Invitae), Labcorp
Classification: Uncertain significance. Last evaluated: 2023-07-07. Review status: criteria provided, single submitter. Criteria: Invitae Variant Classification Sherloc (09022015). Collection method: clinical testing. Allele origin: germline.
Comment: This variant is present in population databases (no rsID available, gnomAD 0.003%). This variant has not been reported in the literature in individuals affected with HIVEP2-related conditions. ClinVar contains an entry for this variant (Variation ID: 2081133). Advanced modeling of protein sequence and biophysical properties (such as structural, functional, and spatial information, amino acid conservation, physicochemical variation, residue mobility, and thermodynamic stability) performed at Invitae indicates that this missense variant is not expected to disrupt HIVEP2 protein function. In summary, the available evidence is currently insufficient to determine the role of this variant in disease. Therefore, it has been classified as a Variant of Uncertain Significance. This sequence change replaces glycine, which is neutral and non-polar, with arginine, which is basic and polar, at codon 1956 of the HIVEP2 protein (p.Gly1956Arg).

NM_006734.4(HIVEP2):c.5866G>A (p.Gly1956Arg)

Gene: HIVEP2 (HIVEP zinc finger 2; minus strand). Cytogenetic location: 6q24.2.
Variant type: single nucleotide variant.
Coding change: c.5866G>A on transcript NM_006734.4 (MANE Select); coding-DNA position 5866, G replaced by A.
Protein change: p.Gly1956Arg; replaces glycine 1956 with arginine.
Molecular consequence: missense variant.
Genome position (GRCh38, 1-based): chr6:142,760,422, C>T on the plus strand (G>A on the coding strand, the complement: HIVEP2 is on the minus strand). VCF-style: chr6-142760422-C-T. GRCh37 (hg19) VCF-style: chr6-143081559-C-T.
Other names: short protein forms G1956R.
Identifiers: ClinVar variation 2081133 (VCV002081133.4), dbSNP rs772803795, ClinGen allele CA365888400.